The following is an entry in ClinVar:

ClinVar aggregate classification (germline): Uncertain significance (1 of 4 stars; one submission).

Submission:

Labcorp Genetics (formerly Invitae), Labcorp
Classification: Uncertain significance. Last evaluated: 2023-08-10. Review status: criteria provided, single submitter. Criteria: Invitae Variant Classification Sherloc (09022015). Collection method: clinical testing. Allele origin: germline.
Comment: In summary, the available evidence is currently insufficient to determine the role of this variant in disease. Therefore, it has been classified as a Variant of Uncertain Significance. Algorithms developed to predict the effect of missense changes on protein structure and function output the following: SIFT: "Not Available"; PolyPhen-2: "Probably Damaging"; Align-GVGD: "Not Available". The isoleucine amino acid residue is found in multiple mammalian species, which suggests that this missense change does not adversely affect protein function. ClinVar contains an entry for this variant (Variation ID: 1998399). This variant has not been reported in the literature in individuals affected with POC5-related conditions. This variant is not present in population databases (gnomAD no frequency). This sequence change replaces leucine, which is neutral and non-polar, with isoleucine, which is neutral and non-polar, at codon 125 of the POC5 protein (p.Leu125Ile).

NM_001099271.2(POC5):c.373C>A (p.Leu125Ile)

Gene: POC5 (POC5 centriolar protein; minus strand). Cytogenetic location: 5q13.3.
Variant type: single nucleotide variant.
Coding change: c.373C>A on transcript NM_001099271.2 (MANE Select); coding-DNA position 373, C replaced by A.
Protein change: p.Leu125Ile; replaces leucine 125 with isoleucine.
Molecular consequence: missense variant.
Genome position (GRCh38, 1-based): chr5:75,702,745, G>T on the plus strand (C>A on the coding strand, the complement: POC5 is on the minus strand). VCF-style: chr5-75702745-G-T. GRCh37 (hg19) VCF-style: chr5-74998570-G-T.
Other names: c.298C>A, p.Leu100Ile (NM_152408.3); short protein forms L100I, L125I.
Identifiers: ClinVar variation 1998399 (VCV001998399.4), dbSNP rs2478916866, ClinGen allele CA360149891.
Genomic context (GRCh38, chr5:75,702,745, plus strand): 5'-GTATTTCATGGGCATCTGTATGACTAGAATTTGTTGCTGGTGAGGAAGAGTCAGCTAAAA[G>T]ATGTGAACTGAAAAAATCCATGACTGGGTGAGAAGGCTTCCTTGGCGATAACACTGGTGA-3'
Protein context (NP_001092741.1, residues 115-135): HPVMDFFSSH[Leu125Ile]LADSSSPATN